The following is an entry in ClinVar:

NM_006393.3(NEBL):c.950T>C (p.Phe317Ser)

Gene: NEBL (nebulette; minus strand). Cytogenetic location: 10p12.31.
Variant type: single nucleotide variant.
Coding change: c.950T>C on transcript NM_006393.3 (MANE Select); coding-DNA position 950, T replaced by C.
Protein change: p.Phe317Ser; replaces phenylalanine 317 with serine.
Molecular consequence: missense variant. On other transcripts: intron variant (9).
Genome position (GRCh38, 1-based): chr10:20,852,603, A>G on the plus strand (T>C on the coding strand, the complement: NEBL is on the minus strand). VCF-style: chr10-20852603-A-G. GRCh37 (hg19) VCF-style: chr10-21141532-A-G.
Other names: c.250-39663T>C (NM_001377326.1, NM_001377327.1, NM_001377328.1); c.358-39663T>C (NM_213569.2, NM_001173484.2, NM_001377322.1); c.301-39663T>C (NM_001377324.1); c.292-39663T>C (NM_001377325.1); c.310-39663T>C (NM_001377323.1); short protein forms F317S.
Identifiers: ClinVar variation 4556728 (VCV004556728.1).

ClinVar aggregate classification (germline): Uncertain significance (1 of 4 stars; one submission).

gnomAD v4.1: 3 of 1,613,844 alleles (0.00019%); highest among the groups gnomAD compares: Non-Finnish European, 0.00017%; no homozygotes.

Submission:

Ambry Genetics
Classification: Uncertain significance. Last evaluated: 2025-11-07. Review status: criteria provided, single submitter. Criteria: Ambry Variant Classification Scheme 2023. Collection method: clinical testing. Allele origin: germline.
Comment: The p.F317S variant (also known as c.950T>C), located in coding exon 10 of the NEBL gene, results from a T to C substitution at nucleotide position 950. The phenylalanine at codon 317 is replaced by serine, an amino acid with highly dissimilar properties. This amino acid position is conserved. In addition, the in silico prediction for this alteration is inconclusive. Based on the available evidence, the clinical significance of this variant remains unclear.